The following is an entry in ClinVar:

ClinVar aggregate classification (germline): Uncertain significance. Review status: criteria provided, multiple submitters, no conflicts (2 of 4 stars). 3 submissions from 3 submitters: Uncertain significance (3). Last evaluated 2025-07-25.

Conditions:
Hereditary cancer-predisposing syndrome. Also called: Neoplastic Syndromes, Hereditary; Tumor predisposition; Hereditary neoplastic syndrome; Hereditary Cancer Syndrome. Identifiers: Orphanet 140162, MedGen C0027672, MeSH D009386, MONDO:0015356.

Submissions (3):

Color Diagnostics, LLC DBA Color Health
Classification: Uncertain significance for Hereditary cancer-predisposing syndrome. Last evaluated: 2025-07-25. Review status: criteria provided, single submitter. Criteria: ACMG Guidelines, 2015. Collection method: clinical testing. Allele origin: germline.
Comment: This missense variant replaces asparagine with tyrosine at codon 1161 of the APC protein. Computational prediction is inconclusive regarding the impact of this variant on protein structure and function. To our knowledge, functional studies have not been reported for this variant. This variant has not been reported in individuals affected with APC-related disorders in the literature. This variant has not been identified in the general population by the Genome Aggregation Database (gnomAD). The available evidence is insufficient to determine the role of this variant in disease conclusively. Therefore, this variant is classified as a Variant of Uncertain Significance.

GeneDx
Classification: Uncertain significance. Last evaluated: 2024-04-05. Review status: criteria provided, single submitter. Criteria: GeneDx Variant Classification Process June 2021. Collection method: clinical testing. Allele origin: germline. Affected: yes.
Comment: Not observed at significant frequency in large population cohorts (gnomAD); In silico analysis indicates that this missense variant does not alter protein structure/function; Has not been previously published as pathogenic or benign to our knowledge; This variant is associated with the following publications: (PMID: 18199528)

Ambry Genetics
Classification: Uncertain significance for Hereditary cancer-predisposing syndrome. Last evaluated: 2023-02-10. Review status: criteria provided, single submitter. Criteria: Ambry Variant Classification Scheme 2023. Collection method: clinical testing. Allele origin: germline.
Comment: The p.N1161Y variant (also known as c.3481A>T), located in coding exon 15 of the APC gene, results from an A to T substitution at nucleotide position 3481. The asparagine at codon 1161 is replaced by tyrosine, an amino acid with dissimilar properties. This amino acid position is conserved. In addition, in silico predictors for this gene do not accurately predict pathogenicity. Since supporting evidence is limited at this time, the clinical significance of this alteration remains unclear.

NM_000038.6(APC):c.3481A>T (p.Asn1161Tyr)

Gene: APC (APC regulator of Wnt signaling pathway; plus strand). Cytogenetic location: 5q22.2.
Variant type: single nucleotide variant.
Coding change: c.3481A>T on transcript NM_000038.6 (MANE Select); coding-DNA position 3481, A replaced by T.
Protein change: p.Asn1161Tyr; replaces asparagine 1161 with tyrosine.
Molecular consequence: missense variant. On other transcripts: non-coding transcript variant (2).
Genome position (GRCh38, 1-based): chr5:112,839,075, A>T. VCF-style: chr5-112839075-A-T. GRCh37 (hg19) VCF-style: chr5-112174772-A-T.
Other names: c.3232A>T, p.Asn1078Tyr (NM_001407454.1, NM_001407455.1, NM_001407456.1 and 1 more transcripts); c.3178A>T, p.Asn1060Tyr (NM_001407458.1, NM_001407459.1, NM_001407460.1 and 1 more transcripts); c.3094A>T, p.Asn1032Tyr (NM_001407467.1, NM_001407469.1); c.2632A>T, p.Asn878Tyr (NM_001407470.1, NM_001354906.2); c.2329A>T, p.Asn777Tyr (NM_001407471.1, NM_001407472.1); c.3481A>T, p.Asn1161Tyr (NM_001127510.3, NM_001354895.2, NM_001407450.1); c.3427A>T, p.Asn1143Tyr (NM_001127511.3); c.3535A>T, p.Asn1179Tyr (NM_001354896.2, NM_001407447.1, NM_001407448.1 and 1 more transcripts); and 11 more; short protein forms N1001Y, N1133Y, N1136Y, N1171Y, N1179Y, N1035Y, N1102Y, N1151Y.
Identifiers: ClinVar variation 2452733 (VCV002452733.4), dbSNP rs2149892875, ClinGen allele CA16028970.